The following is an entry in ClinVar:

NM_000213.5(ITGB4):c.2342G>A (p.Ser781Asn)

Gene: ITGB4 (integrin subunit beta 4; plus strand). Cytogenetic location: 17q25.1.
Variant type: single nucleotide variant.
Coding change: c.2342G>A on transcript NM_000213.5 (MANE Select); coding-DNA position 2342, G replaced by A.
Protein change: p.Ser781Asn; replaces serine 781 with asparagine.
Molecular consequence: missense variant.
Genome position (GRCh38, 1-based): chr17:75,739,967, G>A. VCF-style: chr17-75739967-G-A. GRCh37 (hg19) VCF-style: chr17-73736048-G-A.
Other names: c.2342G>A, p.Ser781Asn (NM_001005619.2, NM_001005731.3, NM_001321123.2); short protein forms S781N.
Identifiers: ClinVar variation 2629826 (VCV002629826.1), dbSNP rs776078067, ClinGen allele CA8769363.

ClinVar aggregate classification (germline): Uncertain significance (1 of 4 stars; one submission).

Conditions:
ITGB4-related disorder. Also called: ITGB4-related condition.

Allele frequency attached by ClinVar (database versions not stated): ExAC 0.00001; gnomAD exomes 0.00001.
gnomAD v4.1: 5 of 1,613,290 alleles (0.00031%); highest among the groups gnomAD compares: Middle Eastern, 0.066%; no homozygotes.

Submission:

PreventionGenetics, part of Exact Sciences
Classification: Uncertain significance for ITGB4-related condition. Last evaluated: 2023-01-10. Review status: criteria provided, single submitter. Criteria: ACMG Guidelines, 2015. Collection method: clinical testing. Allele origin: germline.
Comment: The ITGB4 c.2342G>A variant is predicted to result in the amino acid substitution p.Ser781Asn. To our knowledge, this variant has not been reported in the literature. This variant is reported in 0.0033% of alleles in individuals of South Asian descent in gnomAD. At this time, the clinical significance of this variant is uncertain due to the absence of conclusive functional and genetic evidence.